The following is an entry in ClinVar:

ClinVar aggregate classification (germline): Uncertain significance (1 of 4 stars; one submission).

Submission:

Labcorp Genetics (formerly Invitae), Labcorp
Classification: Uncertain significance. Last evaluated: 2023-11-17. Review status: criteria provided, single submitter. Criteria: Invitae Variant Classification Sherloc (09022015). Collection method: clinical testing. Allele origin: germline.
Comment: This sequence change replaces arginine, which is basic and polar, with leucine, which is neutral and non-polar, at codon 67 of the LZTR1 protein (p.Arg67Leu). This variant also falls at the last nucleotide of exon 1, which is part of the consensus splice site for this exon. This variant is not present in population databases (gnomAD no frequency). This variant has not been reported in the literature in individuals affected with LZTR1-related conditions. An algorithm developed to predict the effect of missense changes on protein structure and function (PolyPhen-2) suggests that this variant is likely to be disruptive. Variants that disrupt the consensus splice site are a relatively common cause of aberrant splicing (PMID: 17576681, 9536098). Algorithms developed to predict the effect of sequence changes on RNA splicing suggest that this variant may disrupt the consensus splice site. In summary, the available evidence is currently insufficient to determine the role of this variant in disease. Therefore, it has been classified as a Variant of Uncertain Significance.

Literature cited by the submitters: PubMed 17576681; PubMed 9536098.

NM_006767.4(LZTR1):c.200G>T (p.Arg67Leu)

Gene: LZTR1 (leucine zipper like post translational regulator 1; plus strand). Cytogenetic location: 22q11.21.
Variant type: single nucleotide variant.
Coding change: c.200G>T on transcript NM_006767.4 (MANE Select); coding-DNA position 200, G replaced by T.
Protein change: p.Arg67Leu; replaces arginine 67 with leucine.
Molecular consequence: missense variant.
Genome position (GRCh38, 1-based): chr22:20,982,571, G>T. VCF-style: chr22-20982571-G-T. GRCh37 (hg19) VCF-style: chr22-21336860-G-T.
Other names: short protein forms R67L.
Identifiers: ClinVar variation 2696442 (VCV002696442.3), dbSNP rs1338433423, ClinGen allele CA410778200.
Genomic context (GRCh38, chr22:20,982,571, plus strand): 5'-CCTTCGAAACAGTGCATCGCTGGCGGCGCCTCCCGCCCTGCGACGAGTTCGTGGGTGCCC[G>T]GTACGGTGGGCTTCATGGGGTCCTGAGGACAGGAAGGGCGATCTGCGAGGGTCCCAGGGC-3'
Protein context (NP_006758.2, residues 57-77): LPPCDEFVGA[Arg67Leu]RSKHTVVAYK